The following is an entry in ClinVar:

ClinVar aggregate classification (germline): Likely benign. Review status: criteria provided, multiple submitters, no conflicts (2 of 4 stars). 4 submissions from 4 submitters: Likely benign (3). 1 of the submissions does not count toward it. Last evaluated 2025-11-16.

Conditions:
Propionic acidemia (PROP). Also called: GLYCINEMIA, KETOTIC; HYPERGLYCINEMIA WITH KETOACIDOSIS AND LEUKOPENIA; KETOTIC HYPERGLYCINEMIA. Identifiers: Orphanet 35, MedGen C0268579, MONDO:0011628, OMIM 606054, HP:0003571.

Allele frequency attached by ClinVar (database versions not stated): TOPMed 0.00008; gnomAD 0.00009; gnomAD exomes 0.00015; ESP Exome Variant Server 0.00008.
gnomAD v4.1: 230 of 1,613,658 alleles (0.014%); highest among the groups gnomAD compares: Non-Finnish European, 0.019%; no homozygotes.

Submissions (4):

Labcorp Genetics (formerly Invitae), Labcorp
Classification: Likely benign for Propionic acidemia. Last evaluated: 2025-11-16. Review status: criteria provided, single submitter. Criteria: Invitae Variant Classification Sherloc (09022015). Collection method: clinical testing. Allele origin: germline.

Blueprint Genetics
Classification: Likely benign. Last evaluated: 2024-11-07. Review status: criteria provided, single submitter. Criteria: ACMG Guidelines, 2015. Collection method: clinical testing. Allele origin: germline.

GeneDx
Classification: Likely benign. Last evaluated: 2018-04-09. Review status: criteria provided, single submitter. Criteria: GeneDx Variant Classification (06012015). Collection method: clinical testing. Allele origin: germline. Affected: yes.
Comment: This variant is considered likely benign or benign based on one or more of the following criteria: it is a conservative change, it occurs at a poorly conserved position in the protein, it is predicted to be benign by multiple in silico algorithms, and/or has population frequency not consistent with disease.

Natera, Inc.
Classification: Uncertain significance for Propionic acidemia. Last evaluated: 2020-01-24. Review status: no assertion criteria provided. Collection method: clinical testing. Allele origin: germline. Not counted in ClinVar's aggregate classification.

NM_000532.5(PCCB):c.1215C>T (p.Tyr405=)

Gene: PCCB (propionyl-CoA carboxylase subunit beta; plus strand). Cytogenetic location: 3q22.3.
Variant type: single nucleotide variant.
Coding change: c.1215C>T on transcript NM_000532.5 (MANE Select); coding-DNA position 1215, C replaced by T.
Protein change: p.Tyr405=; no amino-acid change (tyrosine 405 retained).
Molecular consequence: synonymous variant.
Genome position (GRCh38, 1-based): chr3:136,327,171, C>T. VCF-style: chr3-136327171-C-T. GRCh37 (hg19) VCF-style: chr3-136046013-C-T.
Other names: c.1275C>T, p.Tyr425= (NM_001178014.2).
Identifiers: ClinVar variation 681132 (VCV000681132.13), dbSNP rs191375566, ClinGen allele CA2632095.
Genomic context (GRCh38, chr3:136,327,171, plus strand): 5'-ATGTGAGGACTTGTGGGTATCTAGTAACTCTTCCTCATGTCTAGGCACAGCACAGGAATA[C>T]GGGGGCATCATCCGGCATGGTGCCAAGCTTCTCTACGCATTTGCTGAGGCAACTGTACCC-3'
Protein context (NP_000523.2, residues 395-415): PGFLPGTAQE[Tyr405=]GGIIRHGAKL